The following is an entry in ClinVar:

ClinVar aggregate classification (germline): Uncertain significance. Review status: criteria provided, multiple submitters, no conflicts (2 of 4 stars). 5 submissions from 5 submitters: Uncertain significance (4). 1 of the submissions does not count toward it. Last evaluated 2025-06-17.

Conditions:
Multiple acyl-CoA dehydrogenase deficiency (MADD). Also called: Glutaric aciduria, type 2; Glutaric acidemia type II; GA 2; ETHYLMALONIC-ADIPICACIDURIA; GA II; Glutaric Acidemia type 2. Identifiers: Orphanet 26791, MedGen C0268596, MONDO:0009282, OMIM 231680.
Inborn genetic diseases. Identifiers: MedGen C0950123, MeSH D030342.

Allele frequency attached by ClinVar (database versions not stated): gnomAD 0.00009 and 0.00010; gnomAD exomes 0.00008; TOPMed 0.00009; ExAC 0.00006.
gnomAD v4.1: 130 of 1,613,514 alleles (0.0081%); highest among the groups gnomAD compares: Non-Finnish European, 0.011%; no homozygotes.

Submissions (5):

Ambry Genetics
Classification: Uncertain significance for Inborn genetic diseases. Last evaluated: 2025-06-17. Review status: criteria provided, single submitter. Criteria: Ambry Variant Classification Scheme 2023. Collection method: clinical testing. Allele origin: germline.

GeneDx
Classification: Uncertain significance. Last evaluated: 2025-02-25. Review status: criteria provided, single submitter. Criteria: GeneDx Variant Classification Process June 2021. Collection method: clinical testing. Allele origin: germline.
Comment: In silico analysis indicates that this missense variant does not alter protein structure/function; Has not been previously published as pathogenic or benign to our knowledge

Labcorp Genetics (formerly Invitae), Labcorp
Classification: Uncertain significance for Multiple acyl-CoA dehydrogenase deficiency. Last evaluated: 2022-08-22. Review status: criteria provided, single submitter. Criteria: Invitae Variant Classification Sherloc (09022015). Collection method: clinical testing. Allele origin: germline.
Comment: This sequence change replaces alanine, which is neutral and non-polar, with serine, which is neutral and polar, at codon 535 of the ETFDH protein (p.Ala535Ser). This variant is present in population databases (rs748346465, gnomAD 0.02%). This variant has not been reported in the literature in individuals affected with ETFDH-related conditions. ClinVar contains an entry for this variant (Variation ID: 990941). Advanced modeling of protein sequence and biophysical properties (such as structural, functional, and spatial information, amino acid conservation, physicochemical variation, residue mobility, and thermodynamic stability) performed at Invitae indicates that this missense variant is not expected to disrupt ETFDH protein function. In summary, the available evidence is currently insufficient to determine the role of this variant in disease. Therefore, it has been classified as a Variant of Uncertain Significance.

Fulgent Genetics
Classification: Uncertain significance for Multiple acyl-CoA dehydrogenase deficiency. Last evaluated: 2022-02-01. Review status: criteria provided, single submitter. Criteria: ACMG Guidelines, 2015. Collection method: clinical testing. Allele origin: unknown.

Natera, Inc.
Classification: Uncertain significance for Glutaric aciduria type 2. Last evaluated: 2020-04-21. Review status: no assertion criteria provided. Collection method: clinical testing. Allele origin: germline. Not counted in ClinVar's aggregate classification.

NM_004453.4(ETFDH):c.1603G>T (p.Ala535Ser)

Gene: ETFDH (electron transfer flavoprotein dehydrogenase; plus strand). Cytogenetic location: 4q32.1.
Variant type: single nucleotide variant.
Coding change: c.1603G>T on transcript NM_004453.4 (MANE Select); coding-DNA position 1603, G replaced by T.
Protein change: p.Ala535Ser; replaces alanine 535 with serine.
Molecular consequence: missense variant.
Genome position (GRCh38, 1-based): chr4:158,706,763, G>T. VCF-style: chr4-158706763-G-T. GRCh37 (hg19) VCF-style: chr4-159627915-G-T.
Other names: c.1603G>T (NM_004453.2); c.1462G>T, p.Ala488Ser (NM_001281737.2); c.1420G>T, p.Ala474Ser (NM_001281738.1); short protein forms A474S, A488S, A535S.
Identifiers: ClinVar variation 990941 (VCV000990941.7), dbSNP rs748346465, ClinGen allele CA3122671.